The following is an entry in ClinVar:

ClinVar aggregate classification (germline): Likely benign. Review status: criteria provided, multiple submitters, no conflicts (2 of 4 stars). 3 submissions from 3 submitters: Likely benign (3). Last evaluated 2025-07-13.

Conditions:
ABHD12-related disorder. Also called: ABHD12-related condition.

Allele frequency attached by ClinVar (database versions not stated): gnomAD exomes 0.00003; ExAC 0.00004; gnomAD 0.00009; TOPMed 0.00011; 1000 Genomes Project 0.00020; 1000 Genomes Project 30x 0.00031.
gnomAD v4.1: 22 of 1,613,292 alleles (0.0014%); highest among the groups gnomAD compares: African/African-American, 0.028%; no homozygotes.

Submissions (3):

Labcorp Genetics (formerly Invitae), Labcorp
Classification: Likely benign. Last evaluated: 2025-07-13. Review status: criteria provided, single submitter. Criteria: Invitae Variant Classification Sherloc (09022015). Collection method: clinical testing. Allele origin: germline.

PreventionGenetics, part of Exact Sciences
Classification: Likely benign for ABHD12-related condition. Last evaluated: 2025-05-05. Review status: criteria provided, single submitter. Criteria: ACMG Guidelines, 2015. Collection method: clinical testing. Allele origin: germline.
Comment: This variant is classified as likely benign based on ACMG/AMP sequence variant interpretation guidelines (Richards et al. 2015 PMID: 25741868, with internal and published modifications).

Blueprint Genetics
Classification: Likely benign. Last evaluated: 2018-05-09. Review status: criteria provided, single submitter. Criteria: ACMG Guidelines, 2015. Collection method: clinical testing. Allele origin: germline.

NM_001042472.3(ABHD12):c.1029+8C>T

Gene: ABHD12 (abhydrolase domain containing 12, lysophospholipase; minus strand). Cytogenetic location: 20p11.21.
Variant type: single nucleotide variant.
Coding change: c.1029+8C>T on transcript NM_001042472.3 (MANE Select); 8 bases into the intron after coding-DNA position 1029, C replaced by T.
Molecular consequence: intron variant.
Genome position (GRCh38, 1-based): chr20:25,303,542, G>A on the plus strand (C>T on the coding strand, the complement: ABHD12 is on the minus strand). VCF-style: chr20-25303542-G-A. GRCh37 (hg19) VCF-style: chr20-25284178-G-A.
Other names: c.1029+8C>T (NM_015600.5, NM_001042472.2).
Identifiers: ClinVar variation 1088620 (VCV001088620.12), dbSNP rs566681559, ClinGen allele CA9795894.
Genomic context (GRCh38, chr20:25,303,542, plus strand): 5'-CCTGGTCCACCCACACTGGCTGAGTGTGCAAGATGCCAGCTACACCAGAGGCAGAGGCCA[G>A]GACCCACCTTTCTGCCAAGCTGGAAGGGCACCACCGGGTCGTCCTCAGCGTGCAGGATGA-3'